The following is an entry in ClinVar:

NM_001369.3(DNAH5):c.7274G>A (p.Arg2425His)

Gene: DNAH5 (dynein axonemal heavy chain 5; minus strand). Cytogenetic location: 5p15.2.
Variant type: single nucleotide variant.
Coding change: c.7274G>A on transcript NM_001369.3 (MANE Select); coding-DNA position 7274, G replaced by A.
Protein change: p.Arg2425His; replaces arginine 2425 with histidine.
Molecular consequence: missense variant.
Genome position (GRCh38, 1-based): chr5:13,811,780, C>T on the plus strand (G>A on the coding strand, the complement: DNAH5 is on the minus strand). VCF-style: chr5-13811780-C-T. GRCh37 (hg19) VCF-style: chr5-13811889-C-T.
Other names: short protein forms R2425H.
Identifiers: ClinVar variation 226606 (VCV000226606.26), dbSNP rs35900306, ClinGen allele CA3203135.
Genomic context (GRCh38, chr5:13,811,780, plus strand): 5'-TATTCTAAGTTCTGGATACAGAAGCGATACAAGTCTGGGAAAGACTCGGTGTACAGCTGA[C>T]GAAGAATTTCTGCTTCTTGAGGTGAGCGTTTCTTAAGAAAACCCTGTCAGTTCACAGACA-3'
Protein context (NP_001360.1, residues 2415-2435): KRSPQEAEIL[Arg2425His]QLYTESFPDL

ClinVar aggregate classification (germline): Benign. Review status: criteria provided, multiple submitters, no conflicts (2 of 4 stars). 9 submissions from 9 submitters: Benign (8). 1 of the submissions does not count toward it. Last evaluated 2026-02-04.

Conditions:
Primary ciliary dyskinesia 3. Identifiers: Orphanet 244, MedGen C1837618, MONDO:0012085, OMIM 608644.
Primary ciliary dyskinesia. Also called: Ciliary dyskinesia. Identifiers: Orphanet 244, MedGen C0008780, MONDO:0016575, HP:0012265.

Allele frequency attached by ClinVar (database versions not stated): gnomAD 0.02307 and 0.02176; TOPMed 0.02520; ESP Exome Variant Server 0.02530; 1000 Genomes Project 0.02955; 1000 Genomes Project 30x 0.03061; gnomAD exomes 0.00642; ExAC 0.00752.
gnomAD v4.1: 7,097 of 1,614,062 alleles (0.44%); highest among the groups gnomAD compares: African/African-American, 7.3%; 210 homozygotes.

Submissions (9):

Labcorp Genetics (formerly Invitae), Labcorp
Classification: Benign for Primary ciliary dyskinesia. Last evaluated: 2026-02-04. Review status: criteria provided, single submitter. Criteria: Invitae Variant Classification Sherloc (09022015). Collection method: clinical testing. Allele origin: germline.

ARUP Laboratories, Molecular Genetics and Genomics, ARUP Laboratories
Classification: Benign for Primary ciliary dyskinesia 3. Last evaluated: 2023-09-21. Review status: criteria provided, single submitter. Criteria: ARUP Molecular Germline Variant Investigation Process 2024. Collection method: clinical testing. Allele origin: germline.

GeneDx
Classification: Benign. Last evaluated: 2018-12-31. Review status: criteria provided, single submitter. Criteria: GeneDx Variant Classification Process June 2021. Collection method: clinical testing. Allele origin: germline. Affected: yes.

Illumina Laboratory Services, Illumina
Classification: Benign for Primary ciliary dyskinesia 3. Last evaluated: 2018-01-12. Review status: criteria provided, single submitter. Criteria: ICSL Variant Classification Criteria 13 December 2019. Collection method: clinical testing. Allele origin: germline.
Comment: This variant was observed in the ICSL laboratory as part of a predisposition screen in an ostensibly healthy population. It had not been previously curated by ICSL or reported in the Human Gene Mutation Database (HGMD: prior to June 1st, 2018), and was therefore a candidate for classification through an automated scoring system. Utilizing variant allele frequency, disease prevalence and penetrance estimates, and inheritance mode, an automated score was calculated to assess if this variant is too frequent to cause the disease. Based on the score and internal cut-off values, a variant classified as benign is not then subjected to further curation. The score for this variant resulted in a classification of benign for this disease.

Ambry Genetics
Classification: Benign for Primary ciliary dyskinesia. Last evaluated: 2014-12-24. Review status: criteria provided, single submitter. Criteria: Ambry Variant Classification Scheme 2023. Collection method: clinical testing. Allele origin: germline.

Laboratory for Molecular Medicine, Mass General Brigham Personalized Medicine
Classification: Benign. Last evaluated: 2013-02-21. Review status: criteria provided, single submitter. Criteria: LMM Criteria. Collection method: clinical testing. Allele origin: germline. Observed: 1 variant allele.
Comment: Arg2425His in exon 44 of DNAH5: This variant is not expected to have clinical si gnificance because it has been identified in 7.3% (322/4406) of African American chromosomes from a broad population by the NHLBI Exome Sequencing Project (dbSNP rs35900306).

Breakthrough Genomics
Classification: Benign. Review status: criteria provided, single submitter. Criteria: ACMG Guidelines, 2015. Collection method: not provided. Allele origin: germline. Inheritance: Autosomal recessive inheritance. Affected: yes.

PreventionGenetics, part of Exact Sciences
Classification: Benign. Review status: criteria provided, single submitter. Criteria: ACMG Guidelines, 2015. Collection method: clinical testing. Allele origin: germline.

Natera, Inc.
Classification: Benign for Primary ciliary dyskinesia. Last evaluated: 2020-09-16. Review status: no assertion criteria provided. Collection method: clinical testing. Allele origin: germline. Not counted in ClinVar's aggregate classification.